The following is an entry in ClinVar:

ClinVar aggregate classification (germline): Likely benign (1 of 4 stars; one submission).

gnomAD v4.1: 7 of 1,614,010 alleles (0.00043%); highest among the groups gnomAD compares: South Asian, 0.0044%; no homozygotes.

Submission:

CeGaT Center for Human Genetics Tuebingen
Classification: Likely benign. Last evaluated: 2026-09-01. Review status: criteria provided, single submitter. Criteria: CeGaT Center For Human Genetics Tuebingen Variant Classification Criteria Version 2. Collection method: clinical testing. Allele origin: germline. Affected: yes. Observed: 1 variant allele.
Comment: MYT1L: BP4, BP7

NM_001303052.2(MYT1L):c.1179G>A (p.Ser393=)

Gene: MYT1L (myelin transcription factor 1 like; minus strand). Cytogenetic location: 2p25.3.
Variant type: single nucleotide variant.
Coding change: c.1179G>A on transcript NM_001303052.2 (MANE Select); coding-DNA position 1179, G replaced by A.
Protein change: p.Ser393=; no amino-acid change (serine 393 retained).
Molecular consequence: synonymous variant.
Genome position (GRCh38, 1-based): chr2:1,922,590, C>T on the plus strand (G>A on the coding strand, the complement: MYT1L is on the minus strand). VCF-style: chr2-1922590-C-T. GRCh37 (hg19) VCF-style: chr2-1926362-C-T.
Other names: c.1179G>A, p.Ser393= (NM_001329844.2, NM_001329845.1, NM_001329846.3 and 6 more transcripts).
Identifiers: ClinVar variation 5041604 (VCV005041604.1).
Genomic context (GRCh38, chr2:1,922,590, plus strand): 5'-GGTGGTATCGTCGTCCCGCTCATGACACCCATCCTCCTTCGCACAGCTGGCAAACACTCT[C>T]GACCGGGGGCTCAACTGCTCCTCCAGCCGCATGAGGTTCAGCATGTCCGAGTAGTTTCTG-3'
Protein context (NP_001289981.1, residues 383-403): MRLEEQLSPR[Ser393=]RVFASCAKED